The following is an entry in ClinVar:

NM_006070.6(TFG):c.820+234T>C

Gene: TFG (trafficking from ER to golgi regulator; plus strand). Cytogenetic location: 3q12.2.
Variant type: single nucleotide variant.
Coding change: c.820+234T>C on transcript NM_006070.6 (MANE Select); 234 bases into the intron after coding-DNA position 820, T replaced by C.
Molecular consequence: intron variant.
Genome position (GRCh38, 1-based): chr3:100,745,165, T>C. VCF-style: chr3-100745165-T-C. GRCh37 (hg19) VCF-style: chr3-100464009-T-C.
Other names: c.820+234T>C (NM_001007565.2, NM_001195478.2); c.808+234T>C (NM_001195479.2).
Identifiers: ClinVar variation 677477 (VCV000677477.1), dbSNP rs114709278, ClinGen allele CA79712174.

ClinVar aggregate classification (germline): Likely benign (1 of 4 stars; one submission).

Allele frequency attached by ClinVar (database versions not stated): 1000 Genomes Project 30x 0.00250; 1000 Genomes Project 0.00260; TOPMed 0.00303; gnomAD 0.00389 and 0.00394.
gnomAD v4.1: 523 of 135,070 alleles (0.39%); highest among the groups gnomAD compares: Non-Finnish European, 0.57%; 6 homozygotes.

Submission:

GeneDx
Classification: Likely benign. Last evaluated: 2018-06-16. Review status: criteria provided, single submitter. Criteria: GeneDx Variant Classification (06012015). Collection method: clinical testing. Allele origin: germline. Affected: yes.
Comment: This variant is considered likely benign or benign based on one or more of the following criteria: it is a conservative change, it occurs at a poorly conserved position in the protein, it is predicted to be benign by multiple in silico algorithms, and/or has population frequency not consistent with disease.